The following is an entry in ClinVar:

ClinVar aggregate classification (germline): Uncertain significance (1 of 4 stars; one submission).

Allele frequency attached by ClinVar (database versions not stated): TOPMed below 0.00001; ExAC 0.00002; ESP Exome Variant Server 0.00008.
gnomAD v4.1: 14 of 1,598,930 alleles (0.00088%); highest among the groups gnomAD compares: Non-Finnish European, 0.0012%; no homozygotes.

Submission:

Labcorp Genetics (formerly Invitae), Labcorp
Classification: Uncertain significance. Last evaluated: 2021-12-18. Review status: criteria provided, single submitter. Criteria: Invitae Variant Classification Sherloc (09022015). Collection method: clinical testing. Allele origin: germline.
Comment: This sequence change replaces threonine, which is neutral and polar, with isoleucine, which is neutral and non-polar, at codon 251 of the IFNAR1 protein (p.Thr251Ile). This variant is present in population databases (rs371985368, gnomAD 0.004%). This variant has not been reported in the literature in individuals affected with IFNAR1-related conditions. Algorithms developed to predict the effect of missense changes on protein structure and function (SIFT, PolyPhen-2, Align-GVGD) all suggest that this variant is likely to be tolerated. In summary, the available evidence is currently insufficient to determine the role of this variant in disease. Therefore, it has been classified as a Variant of Uncertain Significance.

NM_000629.3(IFNAR1):c.752C>T (p.Thr251Ile)

Gene: IFNAR1 (interferon alpha and beta receptor subunit 1; plus strand). Cytogenetic location: 21q22.11.
Variant type: single nucleotide variant.
Coding change: c.752C>T on transcript NM_000629.3 (MANE Select); coding-DNA position 752, C replaced by T.
Protein change: p.Thr251Ile; replaces threonine 251 with isoleucine.
Molecular consequence: missense variant. On other transcripts: 5 prime UTR variant (1).
Genome position (GRCh38, 1-based): chr21:33,345,324, C>T. VCF-style: chr21-33345324-C-T. GRCh37 (hg19) VCF-style: chr21-34717630-C-T.
Other names: c.752C>T, p.Thr251Ile (NM_001384498.1, NM_001384499.1, NM_001384501.1 and 1 more transcripts); c.-11C>T (NM_001384500.1); c.290C>T, p.Thr97Ile (NM_001384502.1); c.545C>T, p.Thr182Ile (NM_001384504.1); short protein forms T97I, T182I, T251I.
Identifiers: ClinVar variation 2188024 (VCV002188024.1), dbSNP rs371985368, ClinGen allele CA10006582.